The following is an entry in ClinVar:

ClinVar aggregate classification (germline): Uncertain significance (1 of 4 stars; one submission).

Allele frequency attached by ClinVar (database versions not stated): gnomAD exomes below 0.00001; TOPMed below 0.00001; gnomAD 0.00001.
gnomAD v4.1: 3 of 1,611,224 alleles (0.00019%); highest among the groups gnomAD compares: African/African-American, 0.0013%; no homozygotes.

Submission:

Labcorp Genetics (formerly Invitae), Labcorp
Classification: Uncertain significance. Last evaluated: 2023-11-25. Review status: criteria provided, single submitter. Criteria: Invitae Variant Classification Sherloc (09022015). Collection method: clinical testing. Allele origin: germline.
Comment: This sequence change replaces serine, which is neutral and polar, with leucine, which is neutral and non-polar, at codon 96 of the IL6ST protein (p.Ser96Leu). This variant is not present in population databases (gnomAD no frequency). This variant has not been reported in the literature in individuals affected with IL6ST-related conditions. Algorithms developed to predict the effect of missense changes on protein structure and function output the following: SIFT: "Not Available"; PolyPhen-2: "Benign"; Align-GVGD: "Not Available". The leucine amino acid residue is found in multiple mammalian species, which suggests that this missense change does not adversely affect protein function. In summary, the available evidence is currently insufficient to determine the role of this variant in disease. Therefore, it has been classified as a Variant of Uncertain Significance.

NM_002184.4(IL6ST):c.287C>T (p.Ser96Leu)

Gene: IL6ST (interleukin 6 cytokine family signal transducer; minus strand). Cytogenetic location: 5q11.2.
Variant type: single nucleotide variant.
Coding change: c.287C>T on transcript NM_002184.4 (MANE Select); coding-DNA position 287, C replaced by T.
Protein change: p.Ser96Leu; replaces serine 96 with leucine.
Molecular consequence: missense variant. On other transcripts: 5 prime UTR variant (3), non-coding transcript variant (2), intron variant (1).
Genome position (GRCh38, 1-based): chr5:55,969,633, G>A on the plus strand (C>T on the coding strand, the complement: IL6ST is on the minus strand). VCF-style: chr5-55969633-G-A. GRCh37 (hg19) VCF-style: chr5-55265461-G-A.
Other names: c.287C>T, p.Ser96Leu (NM_001190981.2, NM_001364275.2, NM_175767.3); c.-506C>T (NM_001364277.2, NM_001364279.2); c.-496C>T (NM_001364278.2); c.160+127C>T (NM_001364276.2); short protein forms S96L.
Identifiers: ClinVar variation 2778359 (VCV002778359.3), dbSNP rs1290416639, ClinGen allele CA359770177.